The following is an entry in ClinVar:

ClinVar aggregate classification (germline): Uncertain significance. Review status: criteria provided, multiple submitters, no conflicts (2 of 4 stars). 4 submissions from 4 submitters: Uncertain significance (4). Last evaluated 2025-03-05.

Conditions:
PNKP-related disorder. Also called: PNKP-related disorders; PNKP-related condition.
Developmental and epileptic encephalopathy, 12 (DEE12). Identifiers: MedGen C3150988, MONDO:0013389, OMIM 613722.

Submissions (4):

GeneDx
Classification: Uncertain significance. Last evaluated: 2025-03-05. Review status: criteria provided, single submitter. Criteria: GeneDx Variant Classification Process June 2021. Collection method: clinical testing. Allele origin: germline. Affected: yes.
Comment: Has not been previously published as pathogenic or benign to our knowledge; Duplication of 17 nucleotides spanning across the exon-intron boundary and creates an additional weaker splice donor site downstream in intron 14, while the natural splice donor site remains intact. In silico analysis suggests this variant may impact gene splicing. In the absence of RNA/functional studies, the actual effect of this sequence change is unknown.

Women's Health and Genetics/Laboratory Corporation of America, LabCorp
Classification: Uncertain significance. Last evaluated: 2023-11-17. Review status: criteria provided, single submitter. Criteria: LabCorp Variant Classification Summary - May 2015. Collection method: clinical testing. Allele origin: germline.
Comment: Variant summary: PNKP c.1288_1298+6dup17 variant involves the duplication of 17 nucleotides in exon 14 and intron 14. Several computational tools predict a significant impact on normal splicing: Four predict the variant creates a cryptic 5 donor site. However, these predictions have yet to be confirmed by functional studies. The variant allele was found at a frequency of 2.3e-05 in 175710 control chromosomes (gnomAD). The available data on variant occurrences in the general population are insufficient to allow any conclusion about variant significance. To our knowledge, no occurrence of c.1288_1298+6dup17 in individuals affected with PNKP-Related Disorders and no experimental evidence demonstrating its impact on protein function have been reported. One submitter has cited clinical-significance assessments for this variant to ClinVar after 2014 and has classified the variant as uncertain significance. Based on the evidence outlined above, the variant was classified as uncertain significance.

PreventionGenetics, part of Exact Sciences
Classification: Uncertain significance for PNKP-related condition. Last evaluated: 2023-09-11. Review status: criteria provided, single submitter. Criteria: ACMG Guidelines, 2015. Collection method: clinical testing. Allele origin: germline.
Comment: The PNKP c.1288_1298+6dup17 variant is predicted to result in an intronic duplication. To our knowledge, this variant has not been reported in the literature. This variant is reported in 0.027% of alleles in individuals of African descent in gnomAD. At this time, the clinical significance of this variant is uncertain due to the absence of conclusive functional and genetic evidence.

Labcorp Genetics (formerly Invitae), Labcorp
Classification: Uncertain significance for Developmental and epileptic encephalopathy, 12. Last evaluated: 2022-11-01. Review status: criteria provided, single submitter. Criteria: Invitae Variant Classification Sherloc (09022015). Collection method: clinical testing. Allele origin: germline.
Comment: This sequence change falls in intron 14 of the PNKP gene. It does not directly change the encoded amino acid sequence of the PNKP protein. This variant is present in population databases (no rsID available, gnomAD 0.03%). This variant has not been reported in the literature in individuals affected with PNKP-related conditions. ClinVar contains an entry for this variant (Variation ID: 538890). Algorithms developed to predict the effect of sequence changes on RNA splicing suggest that this variant may create or strengthen a splice site. In summary, the available evidence is currently insufficient to determine the role of this variant in disease. Therefore, it has been classified as a Variant of Uncertain Significance.

NM_007254.4(PNKP):c.1288_1298+6dup

Gene: PNKP (polynucleotide kinase 3'-phosphatase; minus strand). Cytogenetic location: 19q13.33.
Variant type: Duplication.
Coding change: c.1288_1298+6dup on transcript NM_007254.4 (MANE Select); coding-DNA position 1288 through 6 bases into the intron after coding-DNA position 1298, 17 bases duplicated (AGCCGCGCCAGGTAGCG).
Molecular consequence: splice donor variant.
Genome position (GRCh38, 1-based): chr19:49,861,766-49,861,782, CGCTACCTGGCGCGGCT duplicated on the plus strand (AGCCGCGCCAGGTAGCG on the coding strand, the reverse complement: PNKP is on the minus strand); duplicating any 17 consecutive bases within chr19:49,861,766-49,861,785 gives the same sequence; the c. name uses the placement nearest the transcript's 3' end. VCF-style (leftmost placement, unchanged base first): chr19-49861765-A-ACGCTACCTGGCGCGGCT. GRCh37 (hg19) VCF-style: chr19-50365022-A-ACGCTACCTGGCGCGGCT.
Other names: c.1288_1298+6dupAGCCGCGCCAGGTAGCG (NM_007254.3); c.1288_1298+6dup17 (NM_007254.4).
Identifiers: ClinVar variation 538890 (VCV000538890.9), dbSNP rs1555810844, ClinGen allele CA633894514.